The following is an entry in ClinVar:

ClinVar aggregate classification (germline): Conflicting classifications of pathogenicity. Review status: criteria provided, conflicting classifications (1 of 4 stars). 3 submissions from 3 submitters: Uncertain significance (1); Likely benign (2). Last evaluated 2026-01-21.

Conditions:
Hereditary cancer-predisposing syndrome. Also called: Hereditary neoplastic syndrome; Tumor predisposition; Neoplastic Syndromes, Hereditary; Hereditary Cancer Syndrome. Identifiers: Orphanet 140162, MedGen C0027672, MeSH D009386, MONDO:0015356.

Submissions (3):

Ambry Genetics
Classification: Likely benign for Hereditary cancer-predisposing syndrome. Last evaluated: 2026-01-21. Review status: criteria provided, single submitter. Criteria: Ambry Variant Classification Scheme 2023. Collection method: clinical testing. Allele origin: germline.

University of Washington Department of Laboratory Medicine, University of Washington
Classification: Likely benign for Hereditary cancer-predisposing syndrome. Last evaluated: 2023-03-23. Review status: criteria provided, single submitter. Criteria: Dines et al. (Genet Med. 2020). Collection method: curation. Allele origin: germline.
Comment: Missense variant in a coldspot region where missense variants are very unlikely to be pathogenic (PMID:31911673).

BRCA2 exon 11 coldspot. Reclassification based on statistical prior probability.

Color Diagnostics, LLC DBA Color Health
Classification: Uncertain significance for Hereditary cancer-predisposing syndrome. Last evaluated: 2021-03-15. Review status: criteria provided, single submitter. Criteria: ACMG Guidelines, 2015. Collection method: clinical testing. Allele origin: germline.
Comment: This missense variant replaces leucine with serine at codon 997 of the BRCA2 protein. Computational prediction suggests that this variant may not impact protein structure and function (internally defined REVEL score threshold <= 0.5, PMID: 27666373). To our knowledge, functional studies have not been reported for this variant. This variant has not been reported in individuals affected with hereditary cancer in the literature. This variant has not been identified in the general population by the Genome Aggregation Database (gnomAD). The available evidence is insufficient to determine the role of this variant in disease conclusively. Therefore, this variant is classified as a Variant of Uncertain Significance.

NM_000059.4(BRCA2):c.2990T>C (p.Leu997Ser)

Gene: BRCA2 (BRCA2 DNA repair associated; plus strand). Cytogenetic location: 13q13.1.
Variant type: single nucleotide variant.
Coding change: c.2990T>C on transcript NM_000059.4 (MANE Select); coding-DNA position 2990, T replaced by C.
Protein change: p.Leu997Ser; replaces leucine 997 with serine.
Molecular consequence: missense variant.
Genome position (GRCh38, 1-based): chr13:32,337,345, T>C. VCF-style: chr13-32337345-T-C. GRCh37 (hg19) VCF-style: chr13-32911482-T-C.
Other names: short protein forms L997S.
Identifiers: ClinVar variation 1332376 (VCV001332376.5), dbSNP rs397507649, ClinGen allele CA387774603.